The following is an entry in ClinVar:

ClinVar aggregate classification (germline): Pathogenic (1 of 4 stars; one submission).

Conditions:
Mandibulofacial dysostosis-microcephaly syndrome (MFDGA). Also called: Growth and mental retardation, mandibulofacial dysostosis, microcephaly, and cleft palate; Mandibulofacial dysostosis, Guion-Almeida type. Identifiers: Orphanet 79113, MedGen C1864652, MONDO:0012516, OMIM 610536.

Submission:

Victorian Clinical Genetics Services, Murdoch Childrens Research Institute
Classification: Pathogenic for Mandibulofacial dysostosis-microcephaly syndrome. Last evaluated: 2022-02-02. Review status: criteria provided, single submitter. Criteria: ACMG Guidelines, 2015. Collection method: clinical testing. Allele origin: germline. Inheritance: Autosomal dominant inheritance. Affected: yes.
Comment: Based on the classification scheme VCGS_Germline_v1.3.4, this variant is classified as Pathogenic. Following criteria are met: 0102 - Loss of function is a known mechanism of disease in this gene and is associated with mandibulofacial dysostosis, Guion-Almeida type (MIM#610536). (I) 0107 - This gene is associated with autosomal dominant disease. (I) 0115 - Variants in this gene are known to have variable expressivity. Features may be subclinical in some affected individuals (GeneReviews). (I) 0201 - Variant is predicted to cause nonsense-mediated decay (NMD) and loss of protein (premature termination codon is located at least 54 nucleotides upstream of the final exon-exon junction). (SP) 0251 - This variant is heterozygous. (I) 0301 - Variant is absent from gnomAD (both v2 and v3). (SP) 0701 - Other NMD-predicted variants comparable to the one identified in this case have very strong previous evidence for pathogenicity (ClinVar, DECIPHER). (SP) 0807 - This variant has no previous evidence of pathogenicity. (I) 0905 - No published segregation evidence has been identified for this variant. (I) 1007 - No published functional evidence has been identified for this variant. (I) Legend: (SP) - Supporting pathogenic, (I) - Information, (SB) - Supporting benign

NM_004247.4(EFTUD2):c.509_519del (p.Ile170fs)

Gene: EFTUD2 (elongation factor Tu GTP binding domain containing 2; minus strand). Cytogenetic location: 17q21.31.
Variant type: Deletion.
Coding change: c.509_519del on transcript NM_004247.4 (MANE Select); coding-DNA positions 509 to 519, 11 bases deleted (TCCTCTTCACA).
Protein change: p.Ile170fs; shifts the reading frame from isoleucine 170.
Molecular consequence: frameshift variant.
Genome position (GRCh38, 1-based): chr17:44,881,696-44,881,706, TGTGAAGAGGA deleted on the plus strand (TCCTCTTCACA on the coding strand, the reverse complement: EFTUD2 is on the minus strand); deleting any 11 consecutive bases within chr17:44,881,696-44,881,709 gives the same sequence; the c. name uses the placement nearest the transcript's 3' end. VCF-style (leftmost placement, unchanged base first): chr17-44881695-CTGTGAAGAGGA-C. GRCh37 (hg19) VCF-style: chr17-42959063-CTGTGAAGAGGA-C.
Other names: c.404_414del, p.Ile135fs (NM_001142605.2); c.509_519del, p.Ile170fs (NM_001258353.2); c.479_489del, p.Ile160fs (NM_001258354.2); short protein forms I135fs, I160fs, I170fs.
Identifiers: ClinVar variation 1804926 (VCV001804926.1), dbSNP rs2508827069, ClinGen allele CA1139771231.